The following is an entry in ClinVar:

ClinVar aggregate classification (germline): Uncertain significance (1 of 4 stars; one submission).

gnomAD v4.1: 1,513 of 1,561,764 alleles (0.097%); highest among the groups gnomAD compares: Non-Finnish European, 0.12%; no homozygotes.

Submission:

Labcorp Genetics (formerly Invitae), Labcorp
Classification: Uncertain significance. Last evaluated: 2025-05-30. Review status: criteria provided, single submitter. Criteria: Invitae Variant Classification Sherloc (09022015). Collection method: clinical testing. Allele origin: germline.
Comment: This sequence change replaces arginine, which is basic and polar, with histidine, which is basic and polar, at codon 1001 of the LRRCC1 protein (p.Arg1001His). This variant is present in population databases (rs185434179, gnomAD 0.1%), and has an allele count higher than expected for a pathogenic variant. This variant has not been reported in the literature in individuals affected with LRRCC1-related conditions. An algorithm developed to predict the effect of missense changes on protein structure and function (PolyPhen-2) suggests that this variant is likely to be disruptive. In summary, the available evidence is currently insufficient to determine the role of this variant in disease. Therefore, it has been classified as a Variant of Uncertain Significance.

NM_033402.5(LRRCC1):c.3002G>A (p.Arg1001His)

Gene: LRRCC1 (leucine rich repeat and coiled-coil centrosomal protein 1; plus strand). Cytogenetic location: 8q21.2.
Variant type: single nucleotide variant.
Coding change: c.3002G>A on transcript NM_033402.5 (MANE Select); coding-DNA position 3002, G replaced by A.
Protein change: p.Arg1001His; replaces arginine 1001 with histidine.
Molecular consequence: missense variant.
Genome position (GRCh38, 1-based): chr8:85,145,414, G>A. VCF-style: chr8-85145414-G-A. GRCh37 (hg19) VCF-style: chr8-86057649-G-A.
Other names: c.2723G>A, p.Arg908His (NM_001349636.2); c.2576G>A, p.Arg859His (NM_001349637.2); c.2105G>A, p.Arg702His (NM_001349638.2); c.1865G>A, p.Arg622His (NM_001349639.2); short protein forms R1001H, R622H, R702H, R859H, R908H.
Identifiers: ClinVar variation 4799184 (VCV004799184.1).